The following is an entry in ClinVar:

ClinVar aggregate classification (germline): Uncertain significance. Review status: criteria provided, multiple submitters, no conflicts (2 of 4 stars). 2 submissions from 2 submitters: Uncertain significance (2). Last evaluated 2025-11-26.

Conditions:
Adams-Oliver syndrome 5 (AOS5). Identifiers: Orphanet 974, MedGen C4014970, MONDO:0014459, OMIM 616028.
Familial thoracic aortic aneurysm and aortic dissection (TAAD). Also called: Thoracic aortic aneurysms and dissections. Identifiers: Orphanet 91387, MedGen C4707243, MONDO:0019625.

gnomAD v4.1: 5 of 1,611,498 alleles (0.00031%); highest among the groups gnomAD compares: Non-Finnish European, 0.00042%; no homozygotes.

Submissions (2):

Ambry Genetics
Classification: Uncertain significance for Familial thoracic aortic aneurysm and aortic dissection. Last evaluated: 2025-11-26. Review status: criteria provided, single submitter. Criteria: Ambry Variant Classification Scheme 2023. Collection method: clinical testing. Allele origin: germline.

Labcorp Genetics (formerly Invitae), Labcorp
Classification: Uncertain significance for Adams-Oliver syndrome 5. Last evaluated: 2025-09-30. Review status: criteria provided, single submitter. Criteria: Invitae Variant Classification Sherloc (09022015). Collection method: clinical testing. Allele origin: germline.
Comment: This sequence change replaces phenylalanine, which is neutral and non-polar, with leucine, which is neutral and non-polar, at codon 1825 of the NOTCH1 protein (p.Phe1825Leu). This variant is present in population databases (rs778371465, gnomAD 0.0009%). This variant has not been reported in the literature in individuals affected with NOTCH1-related conditions. An algorithm developed to predict the effect of missense changes on protein structure and function (PolyPhen-2) suggests that this variant is likely to be tolerated. In summary, the available evidence is currently insufficient to determine the role of this variant in disease. Therefore, it has been classified as a Variant of Uncertain Significance.

NM_017617.5(NOTCH1):c.5475C>G (p.Phe1825Leu)

Gene: NOTCH1 (notch receptor 1; minus strand). Cytogenetic location: 9q34.3.
Variant type: single nucleotide variant.
Coding change: c.5475C>G on transcript NM_017617.5 (MANE Select); coding-DNA position 5475, C replaced by G.
Protein change: p.Phe1825Leu; replaces phenylalanine 1825 with leucine.
Molecular consequence: missense variant.
Genome position (GRCh38, 1-based): chr9:136,501,911, G>C on the plus strand (C>G on the coding strand, the complement: NOTCH1 is on the minus strand). VCF-style: chr9-136501911-G-C. GRCh37 (hg19) VCF-style: chr9-139396363-G-C.
Other names: short protein forms F1825L.
Identifiers: ClinVar variation 4635497 (VCV004635497.2).
Genomic context (GRCh38, chr9:136,501,911, plus strand): 5'-CTGAGTCCACTGCCGGTGGTCTGTCTGGTCGTCCAGGTCAGGCAGAACCACGGGCTCCTC[G>C]AACTACATAGAGGGAGTGAGCAGAGCCTGTCAGGGCAGCCCGGCAGCAGGTGCCCGGGAG-3'
Protein context (NP_060087.3, residues 1815-1835): DEDLETKKFR[Phe1825Leu]EEPVVLPDLD